The following is an entry in ClinVar:

ClinVar aggregate classification (germline): Uncertain significance (1 of 4 stars; one submission).

Allele frequency attached by ClinVar (database versions not stated): gnomAD exomes below 0.00001 and 0.00001; ExAC 0.00001.
gnomAD v4.1: 3 of 1,211,427 alleles (0.00025%); highest among the groups gnomAD compares: South Asian, 0.0018%; no homozygotes.

Submission:

Labcorp Genetics (formerly Invitae), Labcorp
Classification: Uncertain significance. Last evaluated: 2021-11-10. Review status: criteria provided, single submitter. Criteria: Invitae Variant Classification Sherloc (09022015). Collection method: clinical testing. Allele origin: germline.
Comment: This sequence change replaces glycine, which is neutral and non-polar, with glutamic acid, which is acidic and polar, at codon 288 of the DRP2 protein (p.Gly288Glu). The frequency data for this variant in the population databases is considered unreliable, as metrics indicate poor data quality at this position in the gnomAD database. This variant has not been reported in the literature in individuals affected with DRP2-related conditions. Algorithms developed to predict the effect of missense changes on protein structure and function (SIFT, PolyPhen-2, Align-GVGD) all suggest that this variant is likely to be disruptive. In summary, the available evidence is currently insufficient to determine the role of this variant in disease. Therefore, it has been classified as a Variant of Uncertain Significance.

NM_001939.3(DRP2):c.863G>A (p.Gly288Glu)

Gene: DRP2 (dystrophin related protein 2; plus strand). Cytogenetic location: Xq22.1.
Variant type: single nucleotide variant.
Coding change: c.863G>A on transcript NM_001939.3 (MANE Select); coding-DNA position 863, G replaced by A.
Protein change: p.Gly288Glu; replaces glycine 288 with glutamic acid.
Molecular consequence: missense variant.
Genome position (GRCh38, 1-based): chrX:101,242,359, G>A. VCF-style: chrX-101242359-G-A. GRCh37 (hg19) VCF-style: chrX-100497348-G-A.
Other names: c.629G>A, p.Gly210Glu (NM_001171184.2); short protein forms G210E, G288E.
Identifiers: ClinVar variation 1510602 (VCV001510602.6), dbSNP rs775703252, ClinGen allele CA10472150.